The following is an entry in ClinVar:

ClinVar aggregate classification (germline): Uncertain significance. Review status: criteria provided, multiple submitters, no conflicts (2 of 4 stars). 3 submissions from 3 submitters: Uncertain significance (3). Last evaluated 2025-10-02.

Conditions:
Fraser syndrome 1 (FRASRS1). Also called: CRYPTOPHTHALMOS WITH OTHER MALFORMATIONS. Identifiers: Orphanet 2052, MedGen C4551480, MONDO:0054737, OMIM 219000.

gnomAD v4.1: 23 of 1,609,008 alleles (0.0014%); highest among the groups gnomAD compares: African/African-American, 0.0027%; no homozygotes.

Submissions (3):

Labcorp Genetics (formerly Invitae), Labcorp
Classification: Uncertain significance. Last evaluated: 2025-10-02. Review status: criteria provided, single submitter. Criteria: Invitae Variant Classification Sherloc (09022015). Collection method: clinical testing. Allele origin: germline.
Comment: This sequence change falls in intron 17 of the FRAS1 gene. It does not directly change the encoded amino acid sequence of the FRAS1 protein. It affects a nucleotide within the consensus splice site. The frequency data for this variant in the population databases is considered unreliable, as metrics indicate poor data quality at this position in the gnomAD database. This variant has not been reported in the literature in individuals affected with FRAS1-related conditions. ClinVar contains an entry for this variant (Variation ID: 3590937). Variants that disrupt the consensus splice site are a relatively common cause of aberrant splicing (PMID: 17576681, 9536098). Algorithms developed to predict the effect of sequence changes on RNA splicing suggest that this variant is not likely to affect RNA splicing. In summary, the available evidence is currently insufficient to determine the role of this variant in disease. Therefore, it has been classified as a Variant of Uncertain Significance.

Blueprint Genetics
Classification: Uncertain significance. Last evaluated: 2024-10-14. Review status: criteria provided, single submitter. Criteria: ACMG Guidelines, 2015. Collection method: clinical testing. Allele origin: germline.

Fulgent Genetics
Classification: Uncertain significance for Fraser syndrome 1. Last evaluated: 2024-05-07. Review status: criteria provided, single submitter. Criteria: ACMG Guidelines, 2015. Collection method: clinical testing. Allele origin: germline.

Literature cited by the submitters: PubMed 17576681 (cited by Labcorp Genetics (formerly Invitae), Labcorp); PubMed 9536098 (cited by Labcorp Genetics (formerly Invitae), Labcorp).

NM_025074.7(FRAS1):c.1960+5C>T

Gene: FRAS1 (Fraser extracellular matrix complex subunit 1; plus strand). Cytogenetic location: 4q21.21.
Variant type: single nucleotide variant.
Coding change: c.1960+5C>T on transcript NM_025074.7 (MANE Select); 5 bases into the intron after coding-DNA position 1960, C replaced by T.
Molecular consequence: intron variant.
Genome position (GRCh38, 1-based): chr4:78,317,513, C>T. VCF-style: chr4-78317513-C-T. GRCh37 (hg19) VCF-style: chr4-79238667-C-T.
Other names: c.1960+5C>T (NM_001166133.2).
Identifiers: ClinVar variation 3590937 (VCV003590937.3).
Genomic context (GRCh38, chr4:78,317,513, plus strand): 5'-CCACTGTCTGCCCCGCTGTGGAGAGGGTTTCTACTCTGACCATGGAGTCTGCAAAGGTAT[C>T]GTTGGTGTCACCATCATTCTTGAGAGGCTATCCCACAAGAACATAGATTTACTTTTTTCC-3'